The following is an entry in ClinVar:

ClinVar aggregate classification (germline): Uncertain significance. Review status: criteria provided, single submitter (1 of 4 stars). 2 submissions from 2 submitters: Uncertain significance (1). 1 of the submissions does not count toward it. Last evaluated 2025-09-12.

Conditions:
VPS13B-related disorder. Also called: VPS13B-related condition.

gnomAD v4.1: 8 of 1,613,982 alleles (0.0005%); highest among the groups gnomAD compares: Admixed American, 0.0017%; no homozygotes.

Submissions (2):

Women's Health and Genetics/Laboratory Corporation of America, LabCorp
Classification: Uncertain significance. Last evaluated: 2025-09-12. Review status: criteria provided, single submitter. Criteria: LabCorp Variant Classification Summary - May 2015. Collection method: clinical testing. Allele origin: germline.
Comment: Variant summary: VPS13B c.8519T>C (p.Met2840Thr) results in a non-conservative amino acid change in the encoded protein sequence. Algorithms developed to predict the effect of missense changes on protein structure and function are either unavailable or do not agree on the potential impact of this missense change. Consensus agreement among computation tools predict no significant impact on normal splicing. However, these predictions have yet to be confirmed by functional studies. The variant allele was found at a frequency of 8e-06 in 250962 control chromosomes. The available data on variant occurrences in the general population are insufficient to allow any conclusion about variant significance. To our knowledge, no occurrence of c.8519T>C in individuals affected with VPS13B-related conditions and no experimental evidence demonstrating its impact on protein function have been reported. ClinVar contains an entry for this variant (Variation ID: 3355444). Based on the evidence outlined above, the variant was classified as uncertain significance.

PreventionGenetics, part of Exact Sciences
Classification: Uncertain significance for VPS13B-related condition. Last evaluated: 2024-03-12. Review status: no assertion criteria provided. Collection method: clinical testing. Allele origin: germline. Not counted in ClinVar's aggregate classification.
Comment: The VPS13B c.8444T>C variant is predicted to result in the amino acid substitution p.Met2815Thr. To our knowledge, this variant has not been reported in the literature. This variant is reported in 0.0029% of alleles in individuals of Latino descent in gnomAD. At this time, the clinical significance of this variant is uncertain due to the absence of conclusive functional and genetic evidence.

NM_152564.5(VPS13B):c.8444T>C (p.Met2815Thr)

Gene: VPS13B (vacuolar protein sorting 13 homolog B; plus strand). Cytogenetic location: 8q22.2.
Variant type: single nucleotide variant.
Coding change: c.8444T>C on transcript NM_152564.5 (MANE Select); coding-DNA position 8444, T replaced by C.
Protein change: p.Met2815Thr; replaces methionine 2815 with threonine.
Molecular consequence: missense variant.
Genome position (GRCh38, 1-based): chr8:99,818,533, T>C. VCF-style: chr8-99818533-T-C. GRCh37 (hg19) VCF-style: chr8-100830761-T-C.
Other names: c.8519T>C, p.Met2840Thr (NM_017890.5); short protein forms M2815T, M2840T.
Identifiers: ClinVar variation 3355444 (VCV003355444.2).